The following is an entry in ClinVar:

NC_012920.1(MT-ATP6):m.8576T>C

Gene: MT-ATP6 (mitochondrially encoded ATP synthase 6; plus strand).
Variant type: single nucleotide variant.
Genome position: chrM-8576-T-C.
Identifiers: ClinVar variation 692909 (VCV000692909.1), dbSNP rs1603221596, ClinGen allele CA414796772.

ClinVar aggregate classification (germline): Uncertain significance (1 of 4 stars; one submission).

Conditions:
Leigh syndrome (NULS). Also called: Leigh's necrotizing encephalopathy; Leigh's disease; Leigh Syndrome (mtDNA deletion); Leigh Disease; Subacute necrotizing encephalopathy; Necrotizing encephalopathy infantile subacute of Leigh. Identifiers: Orphanet 506, MedGen C2931891, MONDO:0009723, OMIM 256000.

Submission:

Wong Mito Lab, Molecular and Human Genetics, Baylor College of Medicine
Classification: Uncertain significance for Leigh syndrome. Last evaluated: 2019-10-17. Review status: criteria provided, single submitter. Criteria: Modified ACMG Guidelines (Unpublished). Collection method: clinical testing. Allele origin: germline.
Comment: The NC_012920.1:m.8576T>C (YP_003024031.1:p.Leu17Pro) variant in MTATP6 gene is interpretated to be a Uncertain Significance variant based on the modified ACMG guidelines (unpublished). This variant meets the following evidence codes: PP3, PP6, PP7